The following is an entry in ClinVar:

NC_000006.11:g.(?_10802105)_(10809195_?)del

Gene: MAK (male germ cell associated kinase; minus strand). Cytogenetic location: 6p24.2.
Variant type: Deletion.
Identifiers: ClinVar variation 1460412 (VCV001460412.7).

ClinVar aggregate classification (germline): Pathogenic (1 of 4 stars; one submission).

Submission:

Labcorp Genetics (formerly Invitae), Labcorp
Classification: Pathogenic. Last evaluated: 2022-09-26. Review status: criteria provided, single submitter. Criteria: Invitae Variant Classification Sherloc (09022015). Collection method: clinical testing. Allele origin: germline.
Comment: This variant is a gross deletion of the genomic region encompassing exon(s) 5-7 of the MAK gene. This deletion is out-of-frame, and is expected to create a premature termination codon and result in an absent or disrupted protein product. Loss-of-function variants in MAK are known to be pathogenic (PMID: 21148103, 21825139, 24938718, 29781741). This variant has not been reported in the literature in individuals affected with MAK-related conditions. For these reasons, this variant has been classified as Pathogenic.

Literature cited by the submitters: PubMed 21148103; PubMed 21825139; PubMed 24938718; PubMed 29781741.